The following is an entry in ClinVar:

NM_017777.4(MKS1):c.447C>T (p.Ser149=)

Gene: MKS1 (MKS transition zone complex subunit 1; minus strand). Cytogenetic location: 17q22.
Variant type: single nucleotide variant.
Coding change: c.447C>T on transcript NM_017777.4 (MANE Select); coding-DNA position 447, C replaced by T.
Protein change: p.Ser149=; no amino-acid change (serine 149 retained).
Molecular consequence: synonymous variant. On other transcripts: intron variant (1).
Genome position (GRCh38, 1-based): chr17:58,214,809, G>A on the plus strand (C>T on the coding strand, the complement: MKS1 is on the minus strand). VCF-style: chr17-58214809-G-A. GRCh37 (hg19) VCF-style: chr17-56292170-G-A.
Other names: c.447C>T, p.Ser149= (NM_001321269.2, NM_001330397.2); c.-94-422C>T (NM_001321268.2).
Identifiers: ClinVar variation 889716 (VCV000889716.12), dbSNP rs750376903, ClinGen allele CA8669519.
Genomic context (GRCh38, chr17:58,214,809, plus strand): 5'-CCTGTCCTGCCGGCGACGCCTGACATTTGCCATTCGCTCGACCAAGAATGAAGGCACCTC[G>A]CTGGCTGCAGTGGTCATTCTCTGACAGTGCTGGGAAAAGCAAGCAGCCCTGTGTACGCCA-3'
Protein context (NP_060247.2, residues 139-159): EHCQRMTTAA[Ser149=]EVPSFLVERM

ClinVar aggregate classification (germline): Uncertain significance. Review status: criteria provided, multiple submitters, no conflicts (2 of 4 stars). 4 submissions from 3 submitters: Uncertain significance (3). 1 of the submissions does not count toward it. Last evaluated 2024-05-08.

Conditions:
Bardet-Biedl syndrome 13 (BBS13). Identifiers: Orphanet 110, MedGen C2673873, MONDO:0014441, OMIM 615990.
Joubert syndrome. Also called: Familial aplasia of the vermis; JOUBERT-BOLTSHAUSER SYNDROME. Identifiers: Orphanet 475, MedGen C5979921, MONDO:0018772.
Meckel-Gruber syndrome. Also called: DYSENCEPHALIA SPLANCHNOCYSTICA; GRUBER SYNDROME; Dysencephalia splachnocystica. Identifiers: Orphanet 564, MedGen C0265215, MONDO:0018921.
MKS1-related disorder. Also called: MKS1-related condition; MKS1-related disorders. Identifiers: MedGen CN239382.
Meckel syndrome, type 1 (MKS1). Also called: MECKEL-GRUBER SYNDROME, TYPE 1. Identifiers: Orphanet 564, MedGen C3714506, MONDO:0009571, OMIM 249000.

Allele frequency attached by ClinVar (database versions not stated): gnomAD 0.00001; ExAC 0.00002; gnomAD exomes 0.00002 and 0.00001.

Submissions (5):

Labcorp Genetics (formerly Invitae), Labcorp
Classification: Uncertain significance for Joubert syndrome; Meckel-Gruber syndrome. Last evaluated: 2024-05-08. Review status: criteria provided, single submitter. Criteria: Invitae Variant Classification Sherloc (09022015). Collection method: clinical testing. Allele origin: germline.
Comment: This sequence change affects codon 149 of the MKS1 mRNA. It is a 'silent' change, meaning that it does not change the encoded amino acid sequence of the MKS1 protein. The frequency data for this variant in the population databases is considered unreliable, as metrics indicate poor data quality at this position in the gnomAD database. This variant has not been reported in the literature in individuals affected with MKS1-related conditions. ClinVar contains an entry for this variant (Variation ID: 889716). Algorithms developed to predict the effect of sequence changes on RNA splicing suggest that this variant may disrupt the consensus splice site. In summary, the available evidence is currently insufficient to determine the role of this variant in disease. Therefore, it has been classified as a Variant of Uncertain Significance.

Illumina Laboratory Services, Illumina
Classification: Uncertain significance for Meckel syndrome, type 1. Last evaluated: 2018-04-20. Review status: criteria provided, single submitter. Criteria: ICSL Variant Classification Criteria 13 December 2019. Collection method: clinical testing. Allele origin: germline.

Illumina Laboratory Services, Illumina
Classification: Uncertain significance for Bardet-Biedl syndrome 13. Last evaluated: 2018-04-20. Review status: criteria provided, single submitter. Criteria: ICSL Variant Classification Criteria 13 December 2019. Collection method: clinical testing. Allele origin: germline.

PreventionGenetics, part of Exact Sciences
Classification: Uncertain significance for MKS1-related condition. Last evaluated: 2024-08-06. Review status: no assertion criteria provided. Collection method: clinical testing. Allele origin: germline. Not counted in ClinVar's aggregate classification.
Comment: The MKS1 c.447C>T variant is not predicted to result in an amino acid change (p.=). This variant may alter splicing based on available splicing prediction programs (SpliceAI, Jaganathan et al. 2019. PubMed ID: 30661751). However, such computer prediction programs are imperfect. To our knowledge, this variant has not been reported in the literature. This variant is reported in 0.0099% of alleles in individuals of South Asian descent in gnomAD. At this time, the clinical significance of this variant is uncertain due to the absence of conclusive functional and genetic evidence.

Dr. Peter K. Rogan Lab, Western University
No classification provided (evidence only). Condition: Pancreatic adenocarcinoma. Review status: no classification provided. Collection method: in vitro. Allele origin: not applicable. Functional consequence: skipped exon. Not counted in ClinVar's aggregate classification.